The following is an entry in ClinVar:

NM_001129820.2(SLFN14):c.861G>A (p.Lys287=)

Gene: SLFN14 (schlafen family member 14; minus strand). Cytogenetic location: 17q12.
Variant type: single nucleotide variant.
Coding change: c.861G>A on transcript NM_001129820.2 (MANE Select); coding-DNA position 861, G replaced by A.
Protein change: p.Lys287=; no amino-acid change (lysine 287 retained).
Molecular consequence: synonymous variant.
Genome position (GRCh38, 1-based): chr17:35,557,202, C>T on the plus strand (G>A on the coding strand, the complement: SLFN14 is on the minus strand). VCF-style: chr17-35557202-C-T. GRCh37 (hg19) VCF-style: chr17-33884221-C-T.
Identifiers: ClinVar variation 3041348 (VCV003041348.2), dbSNP rs750933604, ClinGen allele CA8504681.
Genomic context (GRCh38, chr17:35,557,202, plus strand): 5'-ACCATCCAGGACATCTTTTTGGTACACATTCAGGATTTTTGTAGTGAAATTTACCTTTGG[C>T]TTCTCACAGCAGAAGTGGAATGTAGGCAATTTTTCTATGCAGTTTTCGATTTCTTTTTTT-3'
Protein context (NP_001123292.1, residues 277-297): KLPTFHFCCE[Lys287=]PKVNFTTKIL

ClinVar aggregate classification (germline): Likely benign (0 of 4 stars; one submission).

Conditions:
SLFN14-related disorder. Also called: SLFN14-related condition.

Allele frequency attached by ClinVar (database versions not stated): TOPMed 0.00001; gnomAD exomes 0.00002; ExAC 0.00005.
gnomAD v4.1: 33 of 1,551,748 alleles (0.0021%); highest among the groups gnomAD compares: Non-Finnish European, 0.0027%; no homozygotes.

Submission:

PreventionGenetics, part of Exact Sciences
Classification: Likely benign for SLFN14-related condition. Last evaluated: 2019-05-14. Review status: no assertion criteria provided. Collection method: clinical testing. Allele origin: germline.
Comment: This variant is classified as likely benign based on ACMG/AMP sequence variant interpretation guidelines (Richards et al. 2015 PMID: 25741868, with internal and published modifications).